The following is an entry in ClinVar:

ClinVar aggregate classification (germline): Conflicting classifications of pathogenicity. Review status: criteria provided, conflicting classifications (1 of 4 stars). 5 submissions from 5 submitters: Uncertain significance (2); Likely benign (3). Last evaluated 2026-09-11.

Conditions:
ATP6V0A4-related disorder. Also called: ATP6V0A4-related condition.
Inborn genetic diseases. Identifiers: MedGen C0950123, MeSH D030342.
Autosomal recessive distal renal tubular acidosis. Identifiers: Orphanet 402041, MedGen C1864498, MONDO:0018440.

Allele frequency attached by ClinVar (database versions not stated): gnomAD 0.00015 and 0.00016; gnomAD exomes 0.00016 and 0.00043; TOPMed 0.00028; ESP Exome Variant Server 0.00031; ExAC 0.00037.
gnomAD v4.1: 273 of 1,613,230 alleles (0.017%); highest among the groups gnomAD compares: Admixed American, 0.085%; no homozygotes.

Submissions (5):

PreventionGenetics, part of Exact Sciences
Classification: Likely benign for ATP6V0A4-related condition. Last evaluated: 2026-09-11. Review status: criteria provided, single submitter. Criteria: ACMG Guidelines, 2015. Collection method: clinical testing. Allele origin: germline.
Comment: This variant is classified as likely benign based on ACMG/AMP sequence variant interpretation guidelines (Richards et al. 2015 PMID: 25741868, with internal and published modifications).

Labcorp Genetics (formerly Invitae), Labcorp
Classification: Likely benign. Last evaluated: 2026-01-14. Review status: criteria provided, single submitter. Criteria: Invitae Variant Classification Sherloc (09022015). Collection method: clinical testing. Allele origin: germline.

Ambry Genetics
Classification: Uncertain significance for Inborn genetic diseases. Last evaluated: 2025-06-30. Review status: criteria provided, single submitter. Criteria: Ambry Variant Classification Scheme 2023. Collection method: clinical testing. Allele origin: germline.

Blueprint Genetics
Classification: Likely benign. Last evaluated: 2024-09-05. Review status: criteria provided, single submitter. Criteria: ACMG Guidelines, 2015. Collection method: clinical testing. Allele origin: germline.

Illumina Laboratory Services, Illumina
Classification: Uncertain significance for Renal tubular acidosis, distal, 3, with or without sensorineural hearing loss. Last evaluated: 2017-04-27. Review status: criteria provided, single submitter. Criteria: ICSL Variant Classification Criteria 13 December 2019. Collection method: clinical testing. Allele origin: germline.

NM_020632.3(ATP6V0A4):c.1669A>T (p.Ile557Phe)

Gene: ATP6V0A4 (ATPase H+ transporting V0 subunit a4; minus strand). Cytogenetic location: 7q34.
Variant type: single nucleotide variant.
Coding change: c.1669A>T on transcript NM_020632.3 (MANE Select); coding-DNA position 1669, A replaced by T.
Protein change: p.Ile557Phe; replaces isoleucine 557 with phenylalanine.
Molecular consequence: missense variant.
Genome position (GRCh38, 1-based): chr7:138,734,158, T>A on the plus strand (A>T on the coding strand, the complement: ATP6V0A4 is on the minus strand). VCF-style: chr7-138734158-T-A. GRCh37 (hg19) VCF-style: chr7-138418903-T-A.
Other names: c.1669A>T, p.Ile557Phe (NM_130840.3, NM_130841.3); short protein forms I557F.
Identifiers: ClinVar variation 910402 (VCV000910402.16), dbSNP rs147301634, ClinGen allele CA4504692.